The following is an entry in ClinVar:

NM_000016.6(ACADM):c.783T>A (p.Asn261Lys)

Gene: ACADM (acyl-CoA dehydrogenase medium chain; plus strand). Cytogenetic location: 1p31.1.
Variant type: single nucleotide variant.
Coding change: c.783T>A on transcript NM_000016.6 (MANE Select); coding-DNA position 783, T replaced by A.
Protein change: p.Asn261Lys; replaces asparagine 261 with lysine.
Molecular consequence: missense variant.
Genome position (GRCh38, 1-based): chr1:75,749,493, T>A. VCF-style: chr1-75749493-T-A. GRCh37 (hg19) VCF-style: chr1-76215178-T-A.
Other names: c.795T>A, p.Asn265Lys (NM_001127328.3); c.675T>A, p.Asn225Lys (NM_001286042.2); c.882T>A, p.Asn294Lys (NM_001286043.2); c.216T>A, p.Asn72Lys (NM_001286044.2); short protein forms N261K, N265K, N72K, N294K, N225K.
Identifiers: ClinVar variation 4744662 (VCV004744662.1).

ClinVar aggregate classification (germline): Uncertain significance (1 of 4 stars; one submission).

Conditions:
Medium-chain acyl-coenzyme A dehydrogenase deficiency (ACADMD). Also called: Medium chain acyl-CoA dehydrogenase deficiency; CARNITINE DEFICIENCY SECONDARY TO MEDIUM-CHAIN ACYL-CoA DEHYDROGENASE DEFICIENCY; ACADM DEFICIENCY; MCADH DEFICIENCY; MCAD Deficiency; MCADD. Identifiers: Orphanet 42, MedGen C0220710, MONDO:0008721, OMIM 201450.

Submission:

Labcorp Genetics (formerly Invitae), Labcorp
Classification: Uncertain significance for Medium-chain acyl-coenzyme A dehydrogenase deficiency. Last evaluated: 2025-11-20. Review status: criteria provided, single submitter. Criteria: Invitae Variant Classification Sherloc (09022015). Collection method: clinical testing. Allele origin: germline.
Comment: This sequence change replaces asparagine, which is neutral and polar, with lysine, which is basic and polar, at codon 261 of the ACADM protein (p.Asn261Lys). This variant is not present in population databases (gnomAD no frequency). This variant has not been reported in the literature in individuals affected with ACADM-related conditions. Invitae Evidence Modeling of protein sequence and biophysical properties (such as structural, functional, and spatial information, amino acid conservation, physicochemical variation, residue mobility, and thermodynamic stability) indicates that this missense variant is expected to disrupt ACADM protein function with a positive predictive value of 80%. In summary, the available evidence is currently insufficient to determine the role of this variant in disease. Therefore, it has been classified as a Variant of Uncertain Significance.